The following is an entry in ClinVar:

ClinVar aggregate classification (germline): Uncertain significance. Review status: criteria provided, multiple submitters, no conflicts (2 of 4 stars). 2 submissions from 2 submitters: Uncertain significance (2). Last evaluated 2025-03-10.

Conditions:
Inborn genetic diseases. Identifiers: MedGen C0950123, MeSH D030342.

Allele frequency attached by ClinVar (database versions not stated): gnomAD exomes below 0.00001.
gnomAD v4.1: 2 of 1,614,058 alleles (0.00012%); highest among the groups gnomAD compares: Middle Eastern, 0.017%; no homozygotes.

Submissions (2):

GeneDx
Classification: Uncertain significance. Last evaluated: 2025-03-10. Review status: criteria provided, single submitter. Criteria: GeneDx Variant Classification Process June 2021. Collection method: clinical testing. Allele origin: germline. Affected: yes.
Comment: Not observed at significant frequency in large population cohorts (gnomAD); In silico analysis indicates that this missense variant does not alter protein structure/function; Has not been previously published as pathogenic or benign to our knowledge

Ambry Genetics
Classification: Uncertain significance for Inborn genetic diseases. Last evaluated: 2023-02-27. Review status: criteria provided, single submitter. Criteria: Ambry Variant Classification Scheme 2023. Collection method: clinical testing. Allele origin: germline.

NM_000091.5(COL4A3):c.4426G>A (p.Val1476Ile)

Genes: COL4A3 (collagen type IV alpha 3 chain; plus strand), MFF-DT (MFF divergent transcript; minus strand). Cytogenetic location: 2q36.3.
Variant type: single nucleotide variant.
Coding change: c.4426G>A on transcript NM_000091.5 (MANE Select); coding-DNA position 4426, G replaced by A.
Protein change: p.Val1476Ile; replaces valine 1476 with isoleucine.
Molecular consequence: missense variant.
Genome position (GRCh38, 1-based): chr2:227,307,883, G>A. VCF-style: chr2-227307883-G-A. GRCh37 (hg19) VCF-style: chr2-228172599-G-A.
Other names: short protein forms V1476I.
Identifiers: ClinVar variation 2489114 (VCV002489114.3), dbSNP rs2073577240, ClinGen allele CA350864461.
Genomic context (GRCh38, chr2:227,307,883, plus strand): 5'-GCAATTCCTTCATGTCCAGAGGGGACAGTGCCACTCTACAGTGGGTTTTCTTTTCTTTTT[G>A]TACAAGGAAATCAACGAGCCCACGGACAAGACCTTGGTAATGTCCCAGTCCCAGTTGCCA-3'
Protein context (NP_000082.2, residues 1466-1486): PLYSGFSFLF[Val1476Ile]QGNQRAHGQD